The following is an entry in ClinVar:

NM_021098.3(CACNA1H):c.1735G>A (p.Asp579Asn)

Gene: CACNA1H (calcium voltage-gated channel subunit alpha1 H; plus strand). Cytogenetic location: 16p13.3.
Variant type: single nucleotide variant.
Coding change: c.1735G>A on transcript NM_021098.3 (MANE Select); coding-DNA position 1735, G replaced by A.
Protein change: p.Asp579Asn; replaces aspartic acid 579 with asparagine.
Molecular consequence: missense variant.
Genome position (GRCh38, 1-based): chr16:1,202,185, G>A. VCF-style: chr16-1202185-G-A. GRCh37 (hg19) VCF-style: chr16-1252185-G-A.
Other names: c.1735G>A, p.Asp579Asn (NM_001005407.2); short protein forms D579N.
Identifiers: ClinVar variation 460051 (VCV000460051.15), dbSNP rs200804807, ClinGen allele CA7799990.
Genomic context (GRCh38, chr16:1,202,185, plus strand): 5'-CCACCTTCCCCAGGCCGCGGACCCCCCGACGCAGAGTCTGTGCACAGCATCTACCATGCC[G>A]ACTGCCACATAGAGGGGCCGCAGGAGAGGGCCCGGGTGGCACATGCCGCAGCCACTGCCG-3'
Protein context (NP_066921.2, residues 569-589): AESVHSIYHA[Asp579Asn]CHIEGPQERA

ClinVar aggregate classification (germline): Benign/Likely benign. Review status: criteria provided, multiple submitters, no conflicts (2 of 4 stars). 3 submissions from 3 submitters: Benign (1); Likely benign (1). 1 of the submissions does not count toward it. Last evaluated 2025-12-26.

Conditions:
Hyperaldosteronism, familial, type IV (HALD4). Also called: FH IV; ALDOSTERONISM, PRIMARY, AND HYPERTENSION. Identifiers: Orphanet 642671, MedGen C4310756, MONDO:0014875, OMIM 617027.
Idiopathic generalized epilepsy. Also called: Generalised epilepsy; EIG. Identifiers: MedGen C0270850, MONDO:0005579, OMIM 600669.
CACNA1H-related disorder.

Allele frequency attached by ClinVar (database versions not stated): gnomAD exomes 0.00040; ESP Exome Variant Server 0.00047; ExAC 0.00051; gnomAD 0.00177 and 0.00187; TOPMed 0.00191; 1000 Genomes Project 0.00200; 1000 Genomes Project 30x 0.00203.
gnomAD v4.1: 569 of 1,552,620 alleles (0.037%); highest among the groups gnomAD compares: African/African-American, 0.64%; no homozygotes.

Submissions (3):

Labcorp Genetics (formerly Invitae), Labcorp
Classification: Benign for Idiopathic generalized epilepsy; Hyperaldosteronism, familial, type IV. Last evaluated: 2025-12-26. Review status: criteria provided, single submitter. Criteria: Invitae Variant Classification Sherloc (09022015). Collection method: clinical testing. Allele origin: germline.

Blueprint Genetics
Classification: Likely benign. Last evaluated: 2024-03-28. Review status: criteria provided, single submitter. Criteria: ACMG Guidelines, 2015. Collection method: clinical testing. Allele origin: germline.

PreventionGenetics, part of Exact Sciences
Classification: Benign for CACNA1H-related condition. Last evaluated: 2019-07-18. Review status: no assertion criteria provided. Collection method: clinical testing. Allele origin: germline. Not counted in ClinVar's aggregate classification.
Comment: This variant is classified as benign based on ACMG/AMP sequence variant interpretation guidelines (Richards et al. 2015 PMID: 25741868, with internal and published modifications).